The following is an entry in ClinVar:

ClinVar aggregate classification (germline): Uncertain significance (1 of 4 stars; one submission).

Conditions:
Hereditary cancer-predisposing syndrome. Also called: Neoplastic Syndromes, Hereditary; Tumor predisposition; Hereditary Cancer Syndrome; Hereditary neoplastic syndrome. Identifiers: Orphanet 140162, MedGen C0027672, MeSH D009386, MONDO:0015356.

Submission:

Ambry Genetics
Classification: Uncertain significance for Hereditary cancer-predisposing syndrome. Last evaluated: 2020-02-12. Review status: criteria provided, single submitter. Criteria: Ambry Variant Classification Scheme 2023. Collection method: clinical testing. Allele origin: germline.
Comment: The p.L1348F variant (also known as c.4044G>C), located in coding exon 26 of the ATM gene, results from a G to C substitution at nucleotide position 4044. The leucine at codon 1348 is replaced by phenylalanine, an amino acid with highly similar properties. This amino acid position is highly conserved in available vertebrate species. In addition, this alteration is predicted to be deleterious by in silico analysis. Since supporting evidence is limited at this time, the clinical significance of this alteration remains unclear.

NM_000051.4(ATM):c.4044G>C (p.Leu1348Phe)

Gene: ATM (ATM serine/threonine kinase; plus strand). Cytogenetic location: 11q22.3.
Variant type: single nucleotide variant.
Coding change: c.4044G>C on transcript NM_000051.4 (MANE Select); coding-DNA position 4044, G replaced by C.
Protein change: p.Leu1348Phe; replaces leucine 1348 with phenylalanine.
Molecular consequence: missense variant.
Genome position (GRCh38, 1-based): chr11:108,287,650, G>C. VCF-style: chr11-108287650-G-C. GRCh37 (hg19) VCF-style: chr11-108158377-G-C.
Other names: c.4044G>C, p.Leu1348Phe (NM_001351834.2); short protein forms L1348F.
Identifiers: ClinVar variation 1737311 (VCV001737311.2), dbSNP rs2135736190, ClinGen allele CA382527799.